The following is an entry in ClinVar:

ClinVar aggregate classification (germline): Uncertain significance (1 of 4 stars; one submission).

Allele frequency attached by ClinVar (database versions not stated): gnomAD exomes below 0.00001.
gnomAD v4.1: 1 of 1,235,478 alleles (0.000081%); highest among the groups gnomAD compares: Non-Finnish European, 0.0001%; no homozygotes.

Submission:

GeneDx
Classification: Uncertain significance. Last evaluated: 2023-05-04. Review status: criteria provided, single submitter. Criteria: GeneDx Variant Classification Process June 2021. Collection method: clinical testing. Allele origin: germline. Affected: yes.
Comment: Not observed at significant frequency in large population cohorts (gnomAD); In silico analysis supports that this missense variant has a deleterious effect on protein structure/function; Has not been previously published as pathogenic or benign to our knowledge

NM_001220.5(CAMK2B):c.44A>G (p.Gln15Arg)

Gene: CAMK2B (calcium/calmodulin dependent protein kinase II beta; minus strand). Cytogenetic location: 7p13.
Variant type: single nucleotide variant.
Coding change: c.44A>G on transcript NM_001220.5 (MANE Select); coding-DNA position 44, A replaced by G.
Protein change: p.Gln15Arg; replaces glutamine 15 with arginine.
Molecular consequence: missense variant.
Genome position (GRCh38, 1-based): chr7:44,325,378, T>C on the plus strand (A>G on the coding strand, the complement: CAMK2B is on the minus strand). VCF-style: chr7-44325378-T-C. GRCh37 (hg19) VCF-style: chr7-44364977-T-C.
Other names: c.44A>G, p.Gln15Arg (NM_001293170.2, NM_172078.3, NM_172079.3 and 5 more transcripts); short protein forms Q15R.
Identifiers: ClinVar variation 2663444 (VCV002663444.1), dbSNP rs2483954799, ClinGen allele CA367553327.